The following is an entry in ClinVar:

ClinVar aggregate classification (germline): Likely benign. Review status: criteria provided, single submitter (1 of 4 stars). 2 submissions from 2 submitters: Likely benign (1). 1 of the submissions does not count toward it. Last evaluated 2025-04-22.

Conditions:
COL9A3-related disorder. Also called: COL9A3-related condition.

Allele frequency attached by ClinVar (database versions not stated): gnomAD 0.00003; TOPMed 0.00005.
gnomAD v4.1: 9 of 1,612,814 alleles (0.00056%); highest among the groups gnomAD compares: African/African-American, 0.0093%; no homozygotes.

Submissions (2):

Labcorp Genetics (formerly Invitae), Labcorp
Classification: Likely benign. Last evaluated: 2025-04-22. Review status: criteria provided, single submitter. Criteria: Invitae Variant Classification Sherloc (09022015). Collection method: clinical testing. Allele origin: germline.

PreventionGenetics, part of Exact Sciences
Classification: Likely benign for COL9A3-related condition. Last evaluated: 2019-06-03. Review status: no assertion criteria provided. Collection method: clinical testing. Allele origin: germline. Not counted in ClinVar's aggregate classification.
Comment: This variant is classified as likely benign based on ACMG/AMP sequence variant interpretation guidelines (Richards et al. 2015 PMID: 25741868, with internal and published modifications).

NM_001853.4(COL9A3):c.1044G>A (p.Lys348=)

Gene: COL9A3 (collagen type IX alpha 3 chain; plus strand). Cytogenetic location: 20q13.33.
Variant type: single nucleotide variant.
Coding change: c.1044G>A on transcript NM_001853.4 (MANE Select); coding-DNA position 1044, G replaced by A.
Protein change: p.Lys348=; no amino-acid change (lysine 348 retained).
Molecular consequence: synonymous variant.
Genome position (GRCh38, 1-based): chr20:62,829,490, G>A. VCF-style: chr20-62829490-G-A. GRCh37 (hg19) VCF-style: chr20-61460842-G-A.
Other names: c.1044G>A (NM_001853.3).
Identifiers: ClinVar variation 1964908 (VCV001964908.6), dbSNP rs770727085, ClinGen allele CA9949702.
Genomic context (GRCh38, chr20:62,829,490, plus strand): 5'-CTGACCGCAAGCTCTCTCCTGGCAGGGCCTCCCTGGACGAGCGGGGTCCAAAGGCGAGAA[G>A]GGAGAACGGGTATGTGGCTGCAGCCGCTTTCTCTCTGGGAGGGGAGGCGAGGGGCCGGGA-3'
Protein context (NP_001844.3, residues 338-358): LPGRAGSKGE[Lys348=]GERGRAGELG